The following is an entry in ClinVar:

NM_003001.5(SDHC):c.74G>A (p.Arg25Lys)

Gene: SDHC (succinate dehydrogenase complex subunit C; plus strand). Cytogenetic location: 1q23.3.
Variant type: single nucleotide variant.
Coding change: c.74G>A on transcript NM_003001.5 (MANE Select); coding-DNA position 74, G replaced by A.
Protein change: p.Arg25Lys; replaces arginine 25 with lysine.
Molecular consequence: missense variant. On other transcripts: 5 prime UTR variant (2), non-coding transcript variant (1), intron variant (4).
Genome position (GRCh38, 1-based): chr1:161,323,667, G>A. VCF-style: chr1-161323667-G-A. GRCh37 (hg19) VCF-style: chr1-161293457-G-A.
Other names: c.74G>A, p.Arg25Lys (NM_001035511.3, NM_001035512.3, NM_001278172.3 and 2 more transcripts); c.-38G>A (NM_001407119.1); c.-156G>A (NM_001407120.1); c.21-4729G>A (NM_001407116.1, NM_001407121.1, NM_001407117.1); c.20+9242G>A (NM_001035513.3); short protein forms R25K.
Identifiers: ClinVar variation 5029329 (VCV005029329.1).

ClinVar aggregate classification (germline): Uncertain significance (1 of 4 stars; one submission).

Conditions:
Hereditary cancer-predisposing syndrome. Also called: Neoplastic Syndromes, Hereditary; Tumor predisposition; Hereditary neoplastic syndrome; Hereditary Cancer Syndrome. Identifiers: Orphanet 140162, MedGen C0027672, MeSH D009386, MONDO:0015356.

Submission:

Ambry Genetics
Classification: Uncertain significance for Hereditary cancer-predisposing syndrome. Last evaluated: 2026-07-07. Review status: criteria provided, single submitter. Criteria: Ambry Variant Classification Scheme 2023. Collection method: clinical testing. Allele origin: germline.
Comment: The p.R25K variant (also known as c.74G>A), located in coding exon 2 of the SDHC gene, results from a G to A substitution at nucleotide position 74. The arginine at codon 25 is replaced by lysine, an amino acid with highly similar properties. This amino acid position is conserved. In addition, this alteration is predicted to be deleterious by in silico analysis. Based on the available evidence, the clinical significance of this variant remains unclear.